The following is an entry in ClinVar:

NM_004006.3(DMD):c.10498_10499del (p.Glu3499_Ser3500insTer)

Gene: DMD (dystrophin; minus strand). Cytogenetic location: Xp21.2.
Variant type: Microsatellite.
Coding change: c.10498_10499del on transcript NM_004006.3 (MANE Select); coding-DNA positions 10498 to 10499, 2 bases deleted (AG; older notation c.10498_10499delAG).
Protein change: p.Glu3499_Ser3500insTer.
Molecular consequence: nonsense. On other transcripts: intron variant (2).
Genome position (GRCh38, 1-based): chrX:31,169,497-31,169,498, CT deleted on the plus strand (AG on the coding strand, the reverse complement: DMD is on the minus strand); deleting any 2 consecutive bases within chrX:31,169,497-31,169,502 gives the same sequence; the c. name uses the placement nearest the transcript's 3' end. VCF-style (leftmost placement, unchanged base first): chrX-31169496-ACT-A. GRCh37 (hg19) VCF-style: chrX-31187613-ACT-A.
Other names: c.10474_10475del, p.Glu3491_Ser3492insTer (NM_000109.4); c.10486_10487del, p.Glu3495_Ser3496insTer (NM_004009.3); c.10129_10130del, p.Glu3376_Ser3377insTer (NM_004010.3); c.6475_6476del, p.Glu2158_Ser2159insTer (NM_004011.4); c.6466_6467del, p.Glu2155_Ser2156insTer (NM_004012.4); c.3118_3119del, p.Glu1039_Ser1040insTer (NM_004013.3, NM_004021.3); c.2311_2312del, p.Glu770_Ser771insTer (NM_004014.3); c.1294_1295del, p.Glu431_Ser432insTer (NM_004015.3, NM_004016.3); and 3 more.
Identifiers: ClinVar variation 803785 (VCV000803785.7), dbSNP rs1602337330, ClinGen allele CA915950856.

ClinVar aggregate classification (germline): Pathogenic. Review status: criteria provided, multiple submitters, no conflicts (2 of 4 stars). 2 submissions from 2 submitters: Pathogenic (2). Last evaluated 2021-08-30.

Conditions:
Duchenne muscular dystrophy (DMD). Also called: Duchenne Muscular Dystrophy (DMD); MUSCULAR DYSTROPHY, PSEUDOHYPERTROPHIC PROGRESSIVE, DUCHENNE TYPE. Identifiers: Orphanet 98896, MedGen C0013264, MONDO:0010679, OMIM 310200.

Submissions (2):

Labcorp Genetics (formerly Invitae), Labcorp
Classification: Pathogenic for Duchenne muscular dystrophy. Last evaluated: 2021-08-30. Review status: criteria provided, single submitter. Criteria: Invitae Variant Classification Sherloc (09022015). Collection method: clinical testing. Allele origin: germline.
Comment: This sequence change creates a premature translational stop signal (p.Ser3500*) in the DMD gene. It is expected to result in an absent or disrupted protein product. Loss-of-function variants in DMD are known to be pathogenic (PMID: 16770791, 25007885). This variant is not present in population databases (ExAC no frequency). This premature translational stop signal has been observed in individual(s) with dystrophinopathies (PMID: 17041906, 18430534). In at least one individual the variant was observed to be de novo. Algorithms developed to predict the effect of sequence changes on RNA splicing suggest that this variant may create or strengthen a splice site. For these reasons, this variant has been classified as Pathogenic.

Mendelics
Classification: Pathogenic for Duchenne muscular dystrophy. Last evaluated: 2019-05-28. Review status: criteria provided, single submitter. Criteria: Mendelics Assertion Criteria 2017. Collection method: clinical testing. Allele origin: unknown.

Literature cited by the submitters: PubMed 16770791 (cited by Labcorp Genetics (formerly Invitae), Labcorp); PubMed 25007885 (cited by Labcorp Genetics (formerly Invitae), Labcorp); PubMed 17041906 (cited by Labcorp Genetics (formerly Invitae), Labcorp); PubMed 18430534 (cited by Labcorp Genetics (formerly Invitae), Labcorp).